The following is an entry in ClinVar:

NM_201384.3(PLEC):c.4407C>T (p.Gly1469=)

Gene: PLEC (plectin; minus strand). Cytogenetic location: 8q24.3.
Variant type: single nucleotide variant.
Coding change: c.4407C>T on transcript NM_201384.3 (MANE Select); coding-DNA position 4407, C replaced by T.
Protein change: p.Gly1469=; no amino-acid change (glycine 1469 retained).
Molecular consequence: synonymous variant.
Genome position (GRCh38, 1-based): chr8:143,925,522, G>A on the plus strand (C>T on the coding strand, the complement: PLEC is on the minus strand). VCF-style: chr8-143925522-G-A. GRCh37 (hg19) VCF-style: chr8-144999690-G-A.
Other names: c.4488C>T, p.Gly1496= (NM_000445.5); c.4365C>T, p.Gly1455= (NM_201378.4); c.4341C>T, p.Gly1447= (NM_201379.3); c.4818C>T, p.Gly1606= (NM_201380.4); c.4311C>T, p.Gly1437= (NM_201381.3); c.4407C>T, p.Gly1469= (NM_201382.4); c.4419C>T, p.Gly1473= (NM_201383.3).
Identifiers: ClinVar variation 282625 (VCV000282625.15), dbSNP rs376374602, ClinGen allele CA4926672.

ClinVar aggregate classification (germline): Conflicting classifications of pathogenicity. Review status: criteria provided, conflicting classifications (1 of 4 stars). 4 submissions from 4 submitters: Uncertain significance (1); Likely benign (3). Last evaluated 2026-08-10.

Conditions:
PLEC-related disorder. Also called: PLEC-related disorders; PLEC-related condition.
Epidermolysis bullosa simplex with nail dystrophy (EBS5D). Identifiers: MedGen C4225309, MONDO:0014661, OMIM 616487.
Autosomal recessive limb-girdle muscular dystrophy type 2Q (LGMDR17). Also called: MUSCULAR DYSTROPHY, LIMB-GIRDLE, AUTOSOMAL RECESSIVE 17. Identifiers: Orphanet 254361, MedGen C3150989, MONDO:0013390, OMIM 613723.
Epidermolysis bullosa simplex 5C, with pyloric atresia (EBS5C). Also called: PLEC-Related Epidermolysis Bullosa with Pyloric Atresia; Epidermolysis bullosa simplex with pyloric atresia; PLEC1-Related Epidermolysis Bullosa with Pyloric Atresia. Identifiers: Orphanet 158684, MedGen C2677349, MONDO:0012807, OMIM 612138.
Epidermolysis bullosa simplex 5B, with muscular dystrophy (EBS5B). Also called: EPIDERMOLYSIS BULLOSA SIMPLEX AND LIMB-GIRDLE MUSCULAR DYSTROPHY; Epidermolysis bullosa simplex with muscular dystrophy. Identifiers: Orphanet 257, MedGen C2931072, MONDO:0009181, OMIM 226670.
Epidermolysis bullosa simplex, Ogna type (EBS5A). Also called: Pidermolysis bullosa simplex 5A, Ogna type; EPIDERMOLYSIS BULLOSA SIMPLEX 5A, OGNA TYPE. Identifiers: Orphanet 79401, MedGen C0432317, MONDO:0007555, OMIM 131950.

Allele frequency attached by ClinVar (database versions not stated): gnomAD exomes 0.00005 and 0.00009; ExAC 0.00010; gnomAD 0.00015 and 0.00016; TOPMed 0.00019; ESP Exome Variant Server 0.00027.
gnomAD v4.1: 95 of 1,594,960 alleles (0.006%); highest among the groups gnomAD compares: African/African-American, 0.053%; no homozygotes.

Submissions (4):

PreventionGenetics, part of Exact Sciences
Classification: Likely benign for PLEC-related condition. Last evaluated: 2026-08-10. Review status: criteria provided, single submitter. Criteria: ACMG Guidelines, 2015. Collection method: clinical testing. Allele origin: germline.
Comment: This variant is classified as likely benign based on ACMG/AMP sequence variant interpretation guidelines (Richards et al. 2015 PMID: 25741868, with internal and published modifications).

Labcorp Genetics (formerly Invitae), Labcorp
Classification: Likely benign for Autosomal recessive limb-girdle muscular dystrophy type 2Q; Epidermolysis bullosa simplex, Ogna type; Epidermolysis bullosa simplex with nail dystrophy; Epidermolysis bullosa simplex 5C, with pyloric atresia; Epidermolysis bullosa simplex 5B, with muscular dystrophy. Last evaluated: 2025-09-21. Review status: criteria provided, single submitter. Criteria: Invitae Variant Classification Sherloc (09022015). Collection method: clinical testing. Allele origin: germline.

Blueprint Genetics
Classification: Likely benign. Last evaluated: 2022-01-14. Review status: criteria provided, single submitter. Criteria: ACMG Guidelines, 2015. Collection method: clinical testing. Allele origin: germline.

Eurofins Ntd Llc (ga)
Classification: Uncertain significance. Last evaluated: 2015-08-20. Review status: criteria provided, single submitter. Criteria: EGL Classification Definitions 2015. Collection method: clinical testing. Allele origin: germline. Observed: 1 variant allele, 1 heterozygote.